The following is an entry in ClinVar:

NM_001034853.2(RPGR):c.1709C>T (p.Thr570Met)

Gene: RPGR (retinitis pigmentosa GTPase regulator; minus strand). Cytogenetic location: Xp11.4.
Variant type: single nucleotide variant.
Coding change: c.1709C>T on transcript NM_001034853.2 (MANE Select); coding-DNA position 1709, C replaced by T.
Protein change: p.Thr570Met; replaces threonine 570 with methionine.
Molecular consequence: missense variant. On other transcripts: non-coding transcript variant (1), intron variant (5).
Genome position (GRCh38, 1-based): chrX:38,287,905, G>A on the plus strand (C>T on the coding strand, the complement: RPGR is on the minus strand). VCF-style: chrX-38287905-G-A. GRCh37 (hg19) VCF-style: chrX-38147158-G-A.
Other names: c.1709C>T, p.Thr570Met (NM_000328.3); c.1706C>T, p.Thr569Met (NM_001367245.1); c.1523C>T, p.Thr508Met (NM_001367246.1); c.1569+3054C>T (NM_001367249.1, NM_001367250.1); c.1386+3054C>T (NM_001367251.1); c.1572+3054C>T (NM_001367247.1); c.1602+3054C>T (NM_001367248.1); c.1709C>T (NM_001034853.1); short protein forms T570M, T508M, T569M.
Identifiers: ClinVar variation 281508 (VCV000281508.20), dbSNP rs202154504, ClinGen allele CA10385419.

ClinVar aggregate classification (germline): Conflicting classifications of pathogenicity. Review status: criteria provided, conflicting classifications (1 of 4 stars). 5 submissions from 5 submitters: Uncertain significance (1); Likely benign (4). Last evaluated 2025-11-25.

Conditions:
RPGR-related disorder. Also called: RPGR-related condition.
Primary ciliary dyskinesia. Also called: Ciliary dyskinesia. Identifiers: Orphanet 244, MedGen C0008780, MONDO:0016575, HP:0012265.

Allele frequency attached by ClinVar (database versions not stated): TOPMed 0.00008; ESP Exome Variant Server 0.00009; gnomAD exomes 0.00011 and 0.00013; gnomAD 0.00013; ExAC 0.00014; 1000 Genomes Project 30x 0.00021; 1000 Genomes Project 0.00026.
gnomAD v4.1: 130 of 1,209,251 alleles (0.011%); highest among the groups gnomAD compares: South Asian, 0.049%; 1 homozygote.

Submissions (5):

Labcorp Genetics (formerly Invitae), Labcorp
Classification: Likely benign for Primary ciliary dyskinesia. Last evaluated: 2025-11-25. Review status: criteria provided, single submitter. Criteria: Invitae Variant Classification Sherloc (09022015). Collection method: clinical testing. Allele origin: germline.

CeGaT Center for Human Genetics Tuebingen
Classification: Likely benign. Last evaluated: 2025-07-01. Review status: criteria provided, single submitter. Criteria: CeGaT Center For Human Genetics Tuebingen Variant Classification Criteria Version 2. Collection method: clinical testing. Allele origin: germline. Affected: yes. Observed: 1 variant allele.
Comment: RPGR: BP4, BS2

PreventionGenetics, part of Exact Sciences
Classification: Likely benign for RPGR-related condition. Last evaluated: 2025-05-31. Review status: criteria provided, single submitter. Criteria: ACMG Guidelines, 2015. Collection method: clinical testing. Allele origin: germline.
Comment: This variant is classified as likely benign based on ACMG/AMP sequence variant interpretation guidelines (Richards et al. 2015 PMID: 25741868, with internal and published modifications).

Blueprint Genetics
Classification: Likely benign. Last evaluated: 2024-07-13. Review status: criteria provided, single submitter. Criteria: ACMG Guidelines, 2015. Collection method: clinical testing. Allele origin: germline.

Eurofins Ntd Llc (ga)
Classification: Uncertain significance. Last evaluated: 2015-06-24. Review status: criteria provided, single submitter. Criteria: EGL Classification Definitions 2015. Collection method: clinical testing. Allele origin: germline. Observed: 2 variant alleles, 1 heterozygote, 1 hemizygote.